The following is an entry in ClinVar:

NM_012193.4(FZD4):c.37G>T (p.Ala13Ser)

Gene: FZD4 (frizzled class receptor 4; minus strand). Cytogenetic location: 11q14.2.
Variant type: single nucleotide variant.
Coding change: c.37G>T on transcript NM_012193.4 (MANE Select); coding-DNA position 37, G replaced by T.
Protein change: p.Ala13Ser; replaces alanine 13 with serine.
Molecular consequence: missense variant.
Genome position (GRCh38, 1-based): chr11:86,955,049, C>A on the plus strand (G>T on the coding strand, the complement: FZD4 is on the minus strand). VCF-style: chr11-86955049-C-A. GRCh37 (hg19) VCF-style: chr11-86666091-C-A.
Other names: short protein forms A13S.
Identifiers: ClinVar variation 4720144 (VCV004720144.1).
Genomic context (GRCh38, chr11:86,955,049, plus strand): 5'-GCCCCAGGAGCAGCAGCAACTGCAGGAGCAACCCCAGACTGAGACCGACGCCCCCGGGCG[C>A]CCCCGGGACGCTCGGCCCTGCGCCCCGCCAGGCCATGGCCAGCATCGGGGGTAGCAGCGG-3'
Protein context (NP_036325.2, residues 3-23): WRGAGPSVPG[Ala13Ser]PGGVGLSLGL

ClinVar aggregate classification (germline): Uncertain significance (1 of 4 stars; one submission).

Submission:

Labcorp Genetics (formerly Invitae), Labcorp
Classification: Uncertain significance. Last evaluated: 2025-12-25. Review status: criteria provided, single submitter. Criteria: Invitae Variant Classification Sherloc (09022015). Collection method: clinical testing. Allele origin: germline.
Comment: This sequence change replaces alanine, which is neutral and non-polar, with serine, which is neutral and polar, at codon 13 of the FZD4 protein (p.Ala13Ser). This variant is not present in population databases (gnomAD no frequency). This variant has not been reported in the literature in individuals affected with FZD4-related conditions. Invitae Evidence Modeling of protein sequence and biophysical properties (such as structural, functional, and spatial information, amino acid conservation, physicochemical variation, residue mobility, and thermodynamic stability) indicates that this missense variant is not expected to disrupt FZD4 protein function with a negative predictive value of 80%. In summary, the available evidence is currently insufficient to determine the role of this variant in disease. Therefore, it has been classified as a Variant of Uncertain Significance.